The following is an entry in ClinVar:

ClinVar aggregate classification (germline): Pathogenic (1 of 4 stars; one submission).

Conditions:
Immunodeficiency 19 (IMD19). Also called: CD3-DELTA DEFICIENCY; SEVERE COMBINED IMMUNODEFICIENCY, T CELL-NEGATIVE, B CELL-POSITIVE, NK CELL-POSITIVE; SCID, T CELL-NEGATIVE, B CELL-POSITIVE, NK CELL-POSITIVE; IMMUNODEFICIENCY 19, SEVERE COMBINED. Identifiers: MedGen C3810147, MONDO:0014280, OMIM 615617.

Submission:

Women's Health and Genetics/Laboratory Corporation of America, LabCorp
Classification: Pathogenic for Immunodeficiency 19. Last evaluated: 2026-05-18. Review status: criteria provided, single submitter. Criteria: LabCorp Variant Classification Summary - May 2015. Collection method: clinical testing. Allele origin: germline.
Comment: Variant summary: The variant involves the deletion of exons 1-5 in the CD3D gene (deletion of entire gene). This deletion includes the entire coding sequence of the gene. As the exact proximal and distal breakpoints are unknown, it may extend beyond the annotated region of the gene to include other flanking genes. Loss-of-function variants in this gene are known to be pathogenic. A presumed nomenclature of c.(?_-99)_(*88_?)del has been designated for the purposes of this classification. The variant was absent in 21694 control chromosomes (gnomAD). To our knowledge, no occurrence of c.(?_-99)_(*88_?)del in individuals affected with CD3D-related conditions and no experimental evidence demonstrating its impact on protein function have been reported. No submitters have cited clinical-significance assessments for this variant to ClinVar. Based on the evidence outlined above, the variant was classified as pathogenic.

NC_000011.9:g.(?_118209789)_(118213421_?)del

Gene: CD3D (CD3 delta subunit of T-cell receptor complex; minus strand). Cytogenetic location: 11q23.3.
Variant type: Deletion.
Identifiers: ClinVar variation 4853026 (VCV004853026.1).